The following is an entry in ClinVar:

ClinVar aggregate classification (germline): Uncertain significance (1 of 4 stars; one submission).

Conditions:
Joubert syndrome 8 (JBTS8). Identifiers: Orphanet 475, MedGen C2676771, MONDO:0012855, OMIM 612291.

Allele frequency attached by ClinVar (database versions not stated): gnomAD exomes below 0.00001.

Submission:

Labcorp Genetics (formerly Invitae), Labcorp
Classification: Uncertain significance for Joubert syndrome 8. Last evaluated: 2022-07-23. Review status: criteria provided, single submitter. Criteria: Invitae Variant Classification Sherloc (09022015). Collection method: clinical testing. Allele origin: germline.
Comment: In summary, the available evidence is currently insufficient to determine the role of this variant in disease. Therefore, it has been classified as a Variant of Uncertain Significance. Algorithms developed to predict the effect of missense changes on protein structure and function are either unavailable or do not agree on the potential impact of this missense change (SIFT: "Tolerated"; PolyPhen-2: "Possibly Damaging"; Align-GVGD: "Class C0"). This variant has not been reported in the literature in individuals affected with ARL13B-related conditions. This variant is not present in population databases (gnomAD no frequency). This sequence change replaces histidine, which is basic and polar, with glutamine, which is neutral and polar, at codon 357 of the ARL13B protein (p.His357Gln).

NM_001174150.2(ARL13B):c.1071C>G (p.His357Gln)

Gene: ARL13B (ARF like GTPase 13B; plus strand). Cytogenetic location: 3q11.2.
Variant type: single nucleotide variant.
Coding change: c.1071C>G on transcript NM_001174150.2 (MANE Select); coding-DNA position 1071, C replaced by G.
Protein change: p.His357Gln; replaces histidine 357 with glutamine.
Molecular consequence: missense variant. On other transcripts: non-coding transcript variant (2).
Genome position (GRCh38, 1-based): chr3:94,049,452, C>G. VCF-style: chr3-94049452-C-G. GRCh37 (hg19) VCF-style: chr3-93768296-C-G.
Other names: c.762C>G, p.His254Gln (NM_001174151.2); c.1026C>G, p.His342Gln (NM_001321328.2); c.1071C>G, p.His357Gln (NM_001410782.1, NM_182896.3); c.750C>G, p.His250Gln (NM_144996.4); short protein forms H250Q, H254Q, H342Q, H357Q.
Identifiers: ClinVar variation 1713530 (VCV001713530.5), dbSNP rs2472148653, ClinGen allele CA353679442.